The following is an entry in ClinVar:

ClinVar aggregate classification (germline): Likely pathogenic (1 of 4 stars; one submission).

Conditions:
Heterotaxy, visceral, 5, autosomal (HTX5). Also called: Heterotaxy, visceral, 5. Identifiers: Orphanet 450, MedGen C3495537, MONDO:0700112, OMIM 270100.

Allele frequency attached by ClinVar (database versions not stated): gnomAD exomes below 0.00001.
gnomAD v4.1: 1 of 1,606,474 alleles (0.000062%); highest among the groups gnomAD compares: Non-Finnish European, 0.000085%; no homozygotes.

Submission:

Labcorp Genetics (formerly Invitae), Labcorp
Classification: Likely pathogenic for Heterotaxy, visceral, 5, autosomal. Last evaluated: 2022-11-01. Review status: criteria provided, single submitter. Criteria: Invitae Variant Classification Sherloc (09022015). Collection method: clinical testing. Allele origin: germline.
Comment: In summary, the currently available evidence indicates that the variant is pathogenic, but additional data are needed to prove that conclusively. Therefore, this variant has been classified as Likely Pathogenic. Variants that disrupt the consensus splice site are a relatively common cause of aberrant splicing (PMID: 17576681, 9536098). Algorithms developed to predict the effect of sequence changes on RNA splicing suggest that this variant may disrupt the consensus splice site. ClinVar contains an entry for this variant (Variation ID: 571254). Disruption of this splice site has been observed in individuals with NODAL-associated conditions (PMID: 19064609; Invitae). This variant is not present in population databases (gnomAD no frequency). This sequence change affects a donor splice site in intron 2 of the NODAL gene. While this variant is not anticipated to result in nonsense mediated decay, it likely alters RNA splicing and results in a disrupted protein product.

Literature cited by the submitters: PubMed 17576681; PubMed 9536098; PubMed 19064609.

NM_018055.5(NODAL):c.891+2T>A

Gene: NODAL (nodal growth differentiation factor; minus strand). Cytogenetic location: 10q22.1.
Variant type: single nucleotide variant.
Coding change: c.891+2T>A on transcript NM_018055.5 (MANE Select); the canonical splice donor site of the intron after coding-DNA position 891, T replaced by A.
Molecular consequence: splice donor variant.
Genome position (GRCh38, 1-based): chr10:70,435,284, A>T on the plus strand (T>A on the coding strand, the complement: NODAL is on the minus strand). VCF-style: chr10-70435284-A-T. GRCh37 (hg19) VCF-style: chr10-72195040-A-T.
Other names: c.492+2T>A (NM_001329906.2).
Identifiers: ClinVar variation 571254 (VCV000571254.11), dbSNP rs1564667078, ClinGen allele CA376945138.